The following is an entry in ClinVar:

ClinVar aggregate classification (germline): Uncertain significance (1 of 4 stars; one submission).

Conditions:
Hereditary cancer-predisposing syndrome. Also called: Hereditary Cancer Syndrome; Hereditary neoplastic syndrome; Neoplastic Syndromes, Hereditary; Tumor predisposition. Identifiers: Orphanet 140162, MedGen C0027672, MeSH D009386, MONDO:0015356.

Submission:

Ambry Genetics
Classification: Uncertain significance for Hereditary cancer-predisposing syndrome. Last evaluated: 2022-05-27. Review status: criteria provided, single submitter. Criteria: Ambry Variant Classification Scheme 2023. Collection method: clinical testing. Allele origin: germline.
Comment: The p.S1516N variant (also known as c.4547G>A), located in coding exon 13 of the BRCA1 gene, results from a G to A substitution at nucleotide position 4547. The serine at codon 1516 is replaced by asparagine, an amino acid with highly similar properties. This amino acid position is conserved. In addition, the in silico prediction for this alteration is inconclusive. Since supporting evidence is limited at this time, the clinical significance of this alteration remains unclear.

NM_007294.4(BRCA1):c.4547G>A (p.Ser1516Asn)

Gene: BRCA1 (BRCA1 DNA repair associated; minus strand). Cytogenetic location: 17q21.31.
Variant type: single nucleotide variant.
Coding change: c.4547G>A on transcript NM_007294.4 (MANE Select); coding-DNA position 4547, G replaced by A.
Protein change: p.Ser1516Asn; replaces serine 1516 with asparagine.
Molecular consequence: missense variant. On other transcripts: non-coding transcript variant (1).
Genome position (GRCh38, 1-based): chr17:43,074,459, C>T on the plus strand (G>A on the coding strand, the complement: BRCA1 is on the minus strand). VCF-style: chr17-43074459-C-T. GRCh37 (hg19) VCF-style: chr17-41226476-C-T.
Other names: c.4544G>A, p.Ser1515Asn (NM_001407616.1, NM_001407618.1, NM_001407619.1 and 17 more transcripts); c.4211G>A, p.Ser1404Asn (NM_001407954.1, NM_001407955.1, NM_001407950.1 and 3 more transcripts); c.4208G>A, p.Ser1403Asn (NM_001407956.1, NM_001407957.1, NM_001407958.1); c.4166G>A, p.Ser1389Asn (NM_001407959.1); c.4163G>A, p.Ser1388Asn (NM_001407960.1, NM_001407962.1); c.4160G>A, p.Ser1387Asn (NM_001407963.1); c.4040G>A, p.Ser1347Asn (NM_001407965.1); c.3659G>A, p.Ser1220Asn (NM_001407966.1); and 68 more; short protein forms S1444N, S1467N, S1475N, S1511N, S323N, S324N, S366N, S370N.
Identifiers: ClinVar variation 1741390 (VCV001741390.2), dbSNP rs2154014457, ClinGen allele CA10592423.